The following is an entry in ClinVar:

ClinVar aggregate classification (germline): Likely benign (1 of 4 stars; one submission).

Submission:

GeneDx
Classification: Likely benign. Last evaluated: 2016-09-13. Review status: criteria provided, single submitter. Criteria: GeneDx Variant Classification (06012015). Collection method: clinical testing. Allele origin: germline. Affected: yes.
Comment: This variant is considered likely benign or benign based on one or more of the following criteria: it is a conservative change, it occurs at a poorly conserved position in the protein, it is predicted to be benign by multiple in silico algorithms, and/or has population frequency not consistent with disease.

NM_003036.4(SKI):c.1068G>A (p.Leu356=)

Gene: SKI (SKI proto-oncogene; plus strand). Cytogenetic location: 1p36.32.
Variant type: single nucleotide variant.
Coding change: c.1068G>A on transcript NM_003036.4 (MANE Select); coding-DNA position 1068, G replaced by A.
Protein change: p.Leu356=; no amino-acid change (leucine 356 retained).
Molecular consequence: synonymous variant.
Genome position (GRCh38, 1-based): chr1:2,303,076, G>A. VCF-style: chr1-2303076-G-A. GRCh37 (hg19) VCF-style: chr1-2234515-G-A.
Identifiers: ClinVar variation 389348 (VCV000389348.1), dbSNP rs1057523408, ClinGen allele CA16603594.
Genomic context (GRCh38, chr1:2,303,076, plus strand): 5'-AGATGACACCTCTTCCCAGTCCCCCGCGCCTTCCGAAAAGGACAAGCCGTCCAGCTGGCT[G>A]CGGACCTTGGCCGGCTCTTCCAATAAGGTGCTGTGGGGCCTGTCGGGGTCCTTGGGGTGG-3'
Protein context (NP_003027.1, residues 346-366): PSEKDKPSSW[Leu356=]RTLAGSSNKS